The following is an entry in ClinVar:

ClinVar aggregate classification (germline): Uncertain significance (1 of 4 stars; one submission).

Conditions:
Adams-Oliver syndrome 5 (AOS5). Identifiers: Orphanet 974, MedGen C4014970, MONDO:0014459, OMIM 616028.

Submission:

Labcorp Genetics (formerly Invitae), Labcorp
Classification: Uncertain significance for Adams-Oliver syndrome 5. Last evaluated: 2023-07-25. Review status: criteria provided, single submitter. Criteria: Invitae Variant Classification Sherloc (09022015). Collection method: clinical testing. Allele origin: germline.
Comment: This variant has not been reported in the literature in individuals affected with NOTCH1-related conditions. Variants that disrupt the consensus splice site are a relatively common cause of aberrant splicing (PMID: 17576681, 9536098). Algorithms developed to predict the effect of sequence changes on RNA splicing suggest that this variant may disrupt the consensus splice site. In summary, the available evidence is currently insufficient to determine the role of this variant in disease. Therefore, it has been classified as a Variant of Uncertain Significance. This variant is not present in population databases (gnomAD no frequency). This sequence change falls in intron 23 of the NOTCH1 gene. It does not directly change the encoded amino acid sequence of the NOTCH1 protein. It affects a nucleotide within the consensus splice site.

Literature cited by the submitters: PubMed 17576681; PubMed 9536098.

NM_017617.5(NOTCH1):c.3901+4G>A

Gene: NOTCH1 (notch receptor 1; minus strand). Cytogenetic location: 9q34.3.
Variant type: single nucleotide variant.
Coding change: c.3901+4G>A on transcript NM_017617.5 (MANE Select); 4 bases into the intron after coding-DNA position 3901, G replaced by A.
Molecular consequence: intron variant.
Genome position (GRCh38, 1-based): chr9:136,506,712, C>T on the plus strand (G>A on the coding strand, the complement: NOTCH1 is on the minus strand). VCF-style: chr9-136506712-C-T. GRCh37 (hg19) VCF-style: chr9-139401164-C-T.
Identifiers: ClinVar variation 2746964 (VCV002746964.3), dbSNP rs2133343113, ClinGen allele CA2697558221.